The following is an entry in ClinVar:

ClinVar aggregate classification (germline): Conflicting classifications of pathogenicity. Review status: criteria provided, conflicting classifications (1 of 4 stars). 2 submissions from 2 submitters: Uncertain significance (1); Likely benign (1). Last evaluated 2025-05-15.

Conditions:
Hereditary cancer-predisposing syndrome. Also called: Hereditary Cancer Syndrome; Neoplastic Syndromes, Hereditary; Hereditary neoplastic syndrome; Tumor predisposition. Identifiers: Orphanet 140162, MedGen C0027672, MeSH D009386, MONDO:0015356.
Gorlin syndrome. Also called: Nevoid Basal Cell Carcinoma Syndrome; Basal cell nevus syndrome. Identifiers: Orphanet 377, MedGen C0004779, MONDO:0007187.
Medulloblastoma (MDB). Also called: Medulloblastoma, somatic; MEDULLOBLASTOMA PREDISPOSITION SYNDROME. Identifiers: Orphanet 616, MedGen C0025149, MeSH D008527, MONDO:0007959, OMIM 155255, HP:0002885.

Allele frequency attached by ClinVar (database versions not stated): ExAC 0.00001; ESP Exome Variant Server 0.00008.

Submissions (2):

Ambry Genetics
Classification: Likely benign for Hereditary cancer-predisposing syndrome. Last evaluated: 2025-05-15. Review status: criteria provided, single submitter. Criteria: Ambry Variant Classification Scheme 2023. Collection method: clinical testing. Allele origin: germline.

Labcorp Genetics (formerly Invitae), Labcorp
Classification: Uncertain significance for Gorlin syndrome; Medulloblastoma. Last evaluated: 2021-08-17. Review status: criteria provided, single submitter. Criteria: Invitae Variant Classification Sherloc (09022015). Collection method: clinical testing. Allele origin: germline.
Comment: This sequence change replaces arginine with lysine at codon 314 of the SUFU protein (p.Arg314Lys). The arginine residue is moderately conserved and there is a small physicochemical difference between arginine and lysine. This variant is present in population databases (rs369741612, ExAC 0.002%). This variant has not been reported in the literature in individuals affected with SUFU-related conditions. ClinVar contains an entry for this variant (Variation ID: 823241). Algorithms developed to predict the effect of missense changes on protein structure and function (SIFT, PolyPhen-2, Align-GVGD) all suggest that this variant is likely to be tolerated. In summary, the available evidence is currently insufficient to determine the role of this variant in disease. Therefore, it has been classified as a Variant of Uncertain Significance.

NM_016169.4(SUFU):c.941G>A (p.Arg314Lys)

Gene: SUFU (SUFU negative regulator of hedgehog signaling; plus strand). Cytogenetic location: 10q24.32.
Variant type: single nucleotide variant.
Coding change: c.941G>A on transcript NM_016169.4 (MANE Select); coding-DNA position 941, G replaced by A.
Protein change: p.Arg314Lys; replaces arginine 314 with lysine.
Molecular consequence: missense variant.
Genome position (GRCh38, 1-based): chr10:102,599,463, G>A. VCF-style: chr10-102599463-G-A. GRCh37 (hg19) VCF-style: chr10-104359220-G-A.
Other names: c.941G>A, p.Arg314Lys (NM_001178133.2); short protein forms R314K.
Identifiers: ClinVar variation 823241 (VCV000823241.11), dbSNP rs369741612, ClinGen allele CA5667822.